The following is an entry in ClinVar:

NM_001143986.2(TLE6):c.784G>A (p.Asp262Asn)

Gene: TLE6 (TLE family member 6, subcortical maternal complex member; plus strand). Cytogenetic location: 19p13.3.
Variant type: single nucleotide variant.
Coding change: c.784G>A on transcript NM_001143986.2 (MANE Select); coding-DNA position 784, G replaced by A.
Protein change: p.Asp262Asn; replaces aspartic acid 262 with asparagine.
Molecular consequence: missense variant.
Genome position (GRCh38, 1-based): chr19:2,989,104, G>A. VCF-style: chr19-2989104-G-A. GRCh37 (hg19) VCF-style: chr19-2989102-G-A.
Other names: c.415G>A, p.Asp139Asn (NM_024760.3); short protein forms D139N, D262N.
Identifiers: ClinVar variation 3026334 (VCV003026334.22), dbSNP rs2088980728, ClinGen allele CA403282997.

ClinVar aggregate classification (germline): Uncertain significance (1 of 4 stars; one submission).

Submission:

CeGaT Center for Human Genetics Tuebingen
Classification: Uncertain significance. Last evaluated: 2023-12-01. Review status: criteria provided, single submitter. Criteria: CeGaT Center For Human Genetics Tuebingen Variant Classification Criteria Version 2. Collection method: clinical testing. Allele origin: germline. Affected: yes. Observed: 1 variant allele.
Comment: TLE6: PM2, BP4